The following is an entry in ClinVar:

ClinVar aggregate classification (germline): Uncertain significance (1 of 4 stars; one submission).

Conditions:
Chuvash polycythemia. Also called: POLYCYTHEMIA, VHL-DEPENDENT. Identifiers: Orphanet 238557, MedGen C1837915, MONDO:0009892, OMIM 263400.
Von Hippel-Lindau syndrome (VHLS). Also called: Von Hippel-Lindau; VHL syndrome; von Hippel–Lindau syndrome. Identifiers: Orphanet 892, MedGen C0019562, MONDO:0008667, OMIM 193300. Disease mechanism: loss of function.

Submission:

Labcorp Genetics (formerly Invitae), Labcorp
Classification: Uncertain significance for Von Hippel-Lindau syndrome; Chuvash polycythemia. Last evaluated: 2021-03-29. Review status: criteria provided, single submitter. Criteria: Invitae Variant Classification Sherloc (09022015). Collection method: clinical testing. Allele origin: germline.
Comment: In summary, the available evidence is currently insufficient to determine the role of this variant in disease. Therefore, it has been classified as a Variant of Uncertain Significance. Experimental studies and prediction algorithms are not available or were not evaluated, and the functional significance of this variant is currently unknown. This variant has not been reported in the literature in individuals with VHL-related conditions. The frequency data for this variant in the population databases is considered unreliable, as metrics indicate insufficient coverage at this position in the ExAC database. This sequence change falls in intron 1 of the VHL gene. It is not expected to change the encoded amino acid sequence of the VHL protein. However, this sequence change falls within a cryptic exon in the VHL gene, known as exon E1’, which is naturally expressed at low levels in several human tissues (PMID: 29891534).

Literature cited by the submitters: PubMed 29891534.

NM_000551.4(VHL):c.340+598G>A

Genes: VHL (von Hippel-Lindau tumor suppressor; plus strand), LOC107303340 (3p25 von Hippel-Lindau tumor suppressor, E3 ubiquitin protein ligase Alu-mediated recombination region; plus strand). Cytogenetic location: 3p25.3.
Variant type: single nucleotide variant.
Coding change: c.340+598G>A on transcript NM_000551.4 (MANE Select); 598 bases into the intron after coding-DNA position 340, G replaced by A.
Molecular consequence: intron variant. On other transcripts: synonymous variant (1).
Genome position (GRCh38, 1-based): chr3:10,142,785, G>A. VCF-style: chr3-10142785-G-A. GRCh37 (hg19) VCF-style: chr3-10184469-G-A.
Other names: c.363G>A, p.Gln121= (NM_001354723.2); c.340+598G>A (NM_198156.3).
Identifiers: ClinVar variation 1497627 (VCV001497627.8), dbSNP rs2125125857, ClinGen allele CA2573136093.